The following is an entry in ClinVar:

NM_139318.5(KCNH5):c.1513G>A (p.Val505Ile)

Gene: KCNH5 (potassium voltage-gated channel subfamily H member 5; minus strand). Cytogenetic location: 14q23.2.
Variant type: single nucleotide variant.
Coding change: c.1513G>A on transcript NM_139318.5 (MANE Select); coding-DNA position 1513, G replaced by A.
Protein change: p.Val505Ile; replaces valine 505 with isoleucine.
Molecular consequence: missense variant.
Genome position (GRCh38, 1-based): chr14:62,849,709, C>T on the plus strand (G>A on the coding strand, the complement: KCNH5 is on the minus strand). VCF-style: chr14-62849709-C-T. GRCh37 (hg19) VCF-style: chr14-63316427-C-T.
Other names: c.1513G>A, p.Val505Ile (NM_172375.3); c.1513G>A (NM_139318.3); short protein forms V505I.
Identifiers: ClinVar variation 858394 (VCV000858394.11), dbSNP rs1480621890, ClinGen allele CA390102325.

ClinVar aggregate classification (germline): Conflicting classifications of pathogenicity. Review status: criteria provided, conflicting classifications (1 of 4 stars). 2 submissions from 2 submitters: Uncertain significance (1); Benign (1). Last evaluated 2026-02-17.

Conditions:
Inborn genetic diseases. Identifiers: MedGen C0950123, MeSH D030342.
Early-infantile DEE. Also called: Ohtahara syndrome; Early infantile epileptic encephalopathy with suppression bursts; Early infantile epileptic encephalopathy. Identifiers: Orphanet 1934, MedGen C0393706, MONDO:0800491.

Allele frequency attached by ClinVar (database versions not stated): gnomAD exomes below 0.00001 and 0.00001; gnomAD 0.00001; TOPMed 0.00002.
gnomAD v4.1: 21 of 1,613,750 alleles (0.0013%); highest among the groups gnomAD compares: Non-Finnish European, 0.0017%; no homozygotes.

Submissions (2):

Ambry Genetics
Classification: Uncertain significance for Inborn genetic diseases. Last evaluated: 2026-02-17. Review status: criteria provided, single submitter. Criteria: Ambry Variant Classification Scheme 2023. Collection method: clinical testing. Allele origin: germline.
Comment: The c.1513G>A (p.V505I) alteration is located in exon 8 (coding exon 8) of the KCNH5 gene. This alteration results from a G to A substitution at nucleotide position 1513, causing the valine (V) at amino acid position 505 to be replaced by an isoleucine (I). Based on data from gnomAD, the A allele has an overall frequency of <0.001% (1/251362) total alleles studied. The highest observed frequency was 0.001% (1/113670) of European (non-Finnish) alleles. Based on insufficient or conflicting evidence, the clinical significance of this alteration remains unclear.

Labcorp Genetics (formerly Invitae), Labcorp
Classification: Benign for Early-infantile DEE. Last evaluated: 2022-08-23. Review status: criteria provided, single submitter. Criteria: Invitae Variant Classification Sherloc (09022015). Collection method: clinical testing. Allele origin: germline.